The following is an entry in ClinVar:

ClinVar aggregate classification (germline): Conflicting classifications of pathogenicity. Review status: criteria provided, conflicting classifications (1 of 4 stars). 3 submissions from 3 submitters: Uncertain significance (2); Likely benign (1). Last evaluated 2023-03-23.

Conditions:
Hereditary cancer-predisposing syndrome. Also called: Hereditary neoplastic syndrome; Neoplastic Syndromes, Hereditary; Tumor predisposition; Hereditary Cancer Syndrome. Identifiers: Orphanet 140162, MedGen C0027672, MeSH D009386, MONDO:0015356.

Submissions (3):

University of Washington Department of Laboratory Medicine, University of Washington
Classification: Likely benign for Hereditary cancer-predisposing syndrome. Last evaluated: 2023-03-23. Review status: criteria provided, single submitter. Criteria: Dines et al. (Genet Med. 2020). Collection method: curation. Allele origin: germline.
Comment: Missense variant in a coldspot region where missense variants are very unlikely to be pathogenic (PMID:31911673).

BRCA2 exon 11 coldspot. Reclassification based on statistical prior probability.

Ambry Genetics
Classification: Uncertain significance for Hereditary cancer-predisposing syndrome. Last evaluated: 2018-01-12. Review status: criteria provided, single submitter. Criteria: Ambry Variant Classification Scheme 2023. Collection method: clinical testing. Allele origin: germline.
Comment: The p.G1218A variant (also known as c.3653G>C), located in coding exon 10 of the BRCA2 gene, results from a G to C substitution at nucleotide position 3653. The glycine at codon 1218 is replaced by alanine, an amino acid with similar properties. This amino acid position is highly conserved in available vertebrate species. In addition, this alteration is predicted to be deleterious by in silico analysis. Since supporting evidence is limited at this time, the clinical significance of this alteration remains unclear.

GeneDx
Classification: Uncertain significance. Last evaluated: 2015-11-18. Review status: criteria provided, single submitter. Criteria: GeneDx Variant Classification (06012015). Collection method: clinical testing. Allele origin: germline. Affected: yes.
Comment: This variant is denoted BRCA2 c.3653G>C at the cDNA level, p.Gly1218Ala (G1218A) at the protein level, and results in the change of a Glycine to an Alanine (GGC>GCC). Using alternate nomenclature, this variant would be defined as BRCA2 3881G>C. This variant has not, to our knowledge, been published in the literature as pathogenic or benign. BRCA2 Gly1218Ala was not observed in approximately 6,500 individuals of European and African American ancestry in the NHLBI Exome Sequencing Project, suggesting it is not a common benign variant in these populations. Since Glycine and Alanine share similar properties, this is considered a conservative amino acid substitution. BRCA2 Gly1218Ala occurs at a position that is conserved across species and is located in the 2nd BRC repeat (UniProt). In silico analyses are inconsistent regarding the effect this variant may have on protein structure and function. Based on currently available evidence, it is unclear whether BRCA2 Gly1218Ala is a pathogenic or benign variant. We consider it to be a variant of uncertain significance.

NM_000059.4(BRCA2):c.3653G>C (p.Gly1218Ala)

Gene: BRCA2 (BRCA2 DNA repair associated; plus strand). Cytogenetic location: 13q13.1.
Variant type: single nucleotide variant.
Coding change: c.3653G>C on transcript NM_000059.4 (MANE Select); coding-DNA position 3653, G replaced by C.
Protein change: p.Gly1218Ala; replaces glycine 1218 with alanine.
Molecular consequence: missense variant.
Genome position (GRCh38, 1-based): chr13:32,338,008, G>C. VCF-style: chr13-32338008-G-C. GRCh37 (hg19) VCF-style: chr13-32912145-G-C.
Other names: short protein forms G1218A.
Identifiers: ClinVar variation 246157 (VCV000246157.8), dbSNP rs879254128, ClinGen allele CA10584443.